The following is an entry in ClinVar:

ClinVar aggregate classification (germline): Uncertain significance (1 of 4 stars; one submission).

Allele frequency attached by ClinVar (database versions not stated): TOPMed below 0.00001; ExAC 0.00001; gnomAD 0.00001.
gnomAD v4.1: 1 of 1,608,734 alleles (0.000062%); highest among the groups gnomAD compares: East Asian, 0.0022%; no homozygotes.

Submission:

Labcorp Genetics (formerly Invitae), Labcorp
Classification: Uncertain significance. Last evaluated: 2024-02-15. Review status: criteria provided, single submitter. Criteria: Invitae Variant Classification Sherloc (09022015). Collection method: clinical testing. Allele origin: germline.
Comment: This sequence change replaces arginine, which is basic and polar, with glutamine, which is neutral and polar, at codon 49 of the SSR3 protein (p.Arg49Gln). This variant is not present in population databases (gnomAD no frequency). This variant has not been reported in the literature in individuals affected with SSR3-related conditions. An algorithm developed to predict the effect of missense changes on protein structure and function (PolyPhen-2) suggests that this variant is likely to be disruptive. In summary, the available evidence is currently insufficient to determine the role of this variant in disease. Therefore, it has been classified as a Variant of Uncertain Significance.

NM_007107.5(SSR3):c.146G>A (p.Arg49Gln)

Gene: SSR3 (signal sequence receptor subunit 3; minus strand). Cytogenetic location: 3q25.31.
Variant type: single nucleotide variant.
Coding change: c.146G>A on transcript NM_007107.5 (MANE Select); coding-DNA position 146, G replaced by A.
Protein change: p.Arg49Gln; replaces arginine 49 with glutamine.
Molecular consequence: missense variant. On other transcripts: 5 prime UTR variant (2).
Genome position (GRCh38, 1-based): chr3:156,553,769, C>T on the plus strand (G>A on the coding strand, the complement: SSR3 is on the minus strand). VCF-style: chr3-156553769-C-T. GRCh37 (hg19) VCF-style: chr3-156271558-C-T.
Other names: c.146G>A, p.Arg49Gln (NM_001308197.2); c.-11G>A (NM_001308204.2, NM_001308205.2); short protein forms R49Q.
Identifiers: ClinVar variation 2869325 (VCV002869325.3), dbSNP rs772542660, ClinGen allele CA2678641.